The following is an entry in ClinVar:

ClinVar aggregate classification (germline): Uncertain significance (1 of 4 stars; one submission).

Conditions:
IFT172-related disorder. Also called: IFT172-related disorders; IFT172-related condition.

Submission:

PreventionGenetics, part of Exact Sciences
Classification: Uncertain significance for IFT172-related condition. Last evaluated: 2026-04-15. Review status: criteria provided, single submitter. Criteria: ACMG Guidelines, 2015. Collection method: clinical testing. Allele origin: germline.
Comment: The IFT172 c.1043T>C variant is predicted to result in the amino acid substitution p.Val348Ala. To our knowledge, this variant has not been reported in the literature or in a large population database (gnomAD), indicating this variant is rare. At this time, the clinical significance of this variant is uncertain due to the absence of conclusive functional and genetic evidence.

NM_015662.3(IFT172):c.1043T>C (p.Val348Ala)

Gene: IFT172 (intraflagellar transport 172; minus strand). Cytogenetic location: 2p23.3.
Variant type: single nucleotide variant.
Coding change: c.1043T>C on transcript NM_015662.3 (MANE Select); coding-DNA position 1043, T replaced by C.
Protein change: p.Val348Ala; replaces valine 348 with alanine.
Molecular consequence: missense variant.
Genome position (GRCh38, 1-based): chr2:27,478,119, A>G on the plus strand (T>C on the coding strand, the complement: IFT172 is on the minus strand). VCF-style: chr2-27478119-A-G. GRCh37 (hg19) VCF-style: chr2-27700986-A-G.
Other names: c.1043T>C, p.Val348Ala (NM_001410739.1); short protein forms V348A.
Identifiers: ClinVar variation 4990885 (VCV004990885.1).